The following is an entry in ClinVar:

NM_025074.7(FRAS1):c.*709G>A

Gene: FRAS1 (Fraser extracellular matrix complex subunit 1; plus strand). Cytogenetic location: 4q21.21.
Variant type: single nucleotide variant.
Coding change: c.*709G>A on transcript NM_025074.7 (MANE Select); 709 bases downstream of the stop codon, G replaced by A.
Molecular consequence: 3 prime UTR variant.
Genome position (GRCh38, 1-based): chr4:78,541,833, G>A. VCF-style: chr4-78541833-G-A. GRCh37 (hg19) VCF-style: chr4-79462987-G-A.
Identifiers: ClinVar variation 349837 (VCV000349837.5), dbSNP rs115458096, ClinGen allele CA10618441.

ClinVar aggregate classification (germline): Benign (1 of 4 stars; one submission).

Conditions:
Fraser syndrome 1 (FRASRS1). Also called: CRYPTOPHTHALMOS WITH OTHER MALFORMATIONS. Identifiers: Orphanet 2052, MedGen C4551480, MONDO:0054737, OMIM 219000.

Allele frequency attached by ClinVar (database versions not stated): gnomAD 0.00690 and 0.00723; TOPMed 0.00738; 1000 Genomes Project 0.00819; 1000 Genomes Project 30x 0.00828.

Submission:

Illumina Laboratory Services, Illumina
Classification: Benign for Fraser syndrome 1. Last evaluated: 2018-01-12. Review status: criteria provided, single submitter. Criteria: ICSL Variant Classification Criteria 13 December 2019. Collection method: clinical testing. Allele origin: germline.
Comment: This variant was observed in the ICSL laboratory as part of a predisposition screen in an ostensibly healthy population. It had not been previously curated by ICSL or reported in the Human Gene Mutation Database (HGMD: prior to June 1st, 2018), and was therefore a candidate for classification through an automated scoring system. Utilizing variant allele frequency, disease prevalence and penetrance estimates, and inheritance mode, an automated score was calculated to assess if this variant is too frequent to cause the disease. Based on the score and internal cut-off values, a variant classified as benign is not then subjected to further curation. The score for this variant resulted in a classification of benign for this disease.